The following is an entry in ClinVar:

ClinVar aggregate classification (germline): Uncertain significance (1 of 4 stars; one submission).

Allele frequency attached by ClinVar (database versions not stated): gnomAD 0.00001; gnomAD exomes 0.00001; TOPMed 0.00001.
gnomAD v4.1: 13 of 1,612,020 alleles (0.00081%); highest among the groups gnomAD compares: Non-Finnish European, 0.001%; no homozygotes.

Submission:

Labcorp Genetics (formerly Invitae), Labcorp
Classification: Uncertain significance. Last evaluated: 2023-05-09. Review status: criteria provided, single submitter. Criteria: Invitae Variant Classification Sherloc (09022015). Collection method: clinical testing. Allele origin: germline.
Comment: This variant is present in population databases (no rsID available, gnomAD no frequency). In summary, the available evidence is currently insufficient to determine the role of this variant in disease. Therefore, it has been classified as a Variant of Uncertain Significance. Advanced modeling of protein sequence and biophysical properties (such as structural, functional, and spatial information, amino acid conservation, physicochemical variation, residue mobility, and thermodynamic stability) performed at Invitae indicates that this missense variant is not expected to disrupt MYO3A protein function. This variant has not been reported in the literature in individuals affected with MYO3A-related conditions. This sequence change replaces glutamic acid, which is acidic and polar, with aspartic acid, which is acidic and polar, at codon 1080 of the MYO3A protein (p.Glu1080Asp).

NM_017433.5(MYO3A):c.3240G>C (p.Glu1080Asp)

Gene: MYO3A (myosin IIIA; plus strand). Cytogenetic location: 10p12.1.
Variant type: single nucleotide variant.
Coding change: c.3240G>C on transcript NM_017433.5 (MANE Select); coding-DNA position 3240, G replaced by C.
Protein change: p.Glu1080Asp; replaces glutamic acid 1080 with aspartic acid.
Molecular consequence: missense variant.
Genome position (GRCh38, 1-based): chr10:26,168,840, G>C. VCF-style: chr10-26168840-G-C. GRCh37 (hg19) VCF-style: chr10-26457769-G-C.
Other names: short protein forms E1080D.
Identifiers: ClinVar variation 2983756 (VCV002983756.3), dbSNP rs949401182, ClinGen allele CA204393202.
Genomic context (GRCh38, chr10:26,168,840, plus strand): 5'-TTTGATTCAAGCTTGTGTCAGAGCATTCTTGTGTTCAAGAAGATACCAAAAAATACAGGA[G>C]AAAAGGAAAGAAAGCGCTATAATAATACAGTCAGGTAATCTCTTTGACATATTTAGATAT-3'
Protein context (NP_059129.3, residues 1070-1090): LCSRRYQKIQ[Glu1080Asp]KRKESAIIIQ